The following is an entry in ClinVar:

ClinVar aggregate classification (germline): Uncertain significance. Review status: criteria provided, multiple submitters, no conflicts (2 of 4 stars). 2 submissions from 2 submitters: Uncertain significance (2). Last evaluated 2023-12-04.

Conditions:
Familial adenomatous polyposis 1 (FAP1). Also called: FAMILIAL ADENOMATOUS POLYPOSIS 1, ATTENUATED; POLYPOSIS, ADENOMATOUS INTESTINAL. Identifiers: MedGen C2713442, MONDO:0021056, OMIM 175100. Disease mechanism: loss of function.
Hereditary cancer-predisposing syndrome. Also called: Neoplastic Syndromes, Hereditary; Tumor predisposition; Hereditary Cancer Syndrome; Hereditary neoplastic syndrome. Identifiers: Orphanet 140162, MedGen C0027672, MeSH D009386, MONDO:0015356.

Submissions (2):

Color Diagnostics, LLC DBA Color Health
Classification: Uncertain significance for Hereditary cancer-predisposing syndrome. Last evaluated: 2023-12-04. Review status: criteria provided, single submitter. Criteria: ACMG Guidelines, 2015. Collection method: clinical testing. Allele origin: germline.
Comment: This missense variant replaces leucine with proline at codon 356 of the APC protein. Computational prediction suggests that this variant may have deleterious impact on protein structure and function (internally defined REVEL score threshold >= 0.7, PMID: 27666373). To our knowledge, functional studies have not been reported for this variant. This variant has not been reported in individuals affected with APC-related disorders in the literature. This variant has not been identified in the general population by the Genome Aggregation Database (gnomAD). The available evidence is insufficient to determine the role of this variant in disease conclusively. Therefore, this variant is classified as a Variant of Uncertain Significance.

Labcorp Genetics (formerly Invitae), Labcorp
Classification: Uncertain significance for Familial adenomatous polyposis 1. Last evaluated: 2019-10-12. Review status: criteria provided, single submitter. Criteria: Invitae Variant Classification Sherloc (09022015). Collection method: clinical testing. Allele origin: germline.
Comment: This sequence change replaces leucine with proline at codon 356 of the APC protein (p.Leu356Pro). The leucine residue is highly conserved and there is a moderate physicochemical difference between leucine and proline. This variant is not present in population databases (ExAC no frequency). This variant has not been reported in the literature in individuals with APC-related conditions. Algorithms developed to predict the effect of missense changes on protein structure and function (SIFT, PolyPhen-2, Align-GVGD) all suggest that this variant is likely to be disruptive, but these predictions have not been confirmed by published functional studies and their clinical significance is uncertain. In summary, the available evidence is currently insufficient to determine the role of this variant in disease. Therefore, it has been classified as a Variant of Uncertain Significance.

NM_000038.6(APC):c.1067T>C (p.Leu356Pro)

Gene: APC (APC regulator of Wnt signaling pathway; plus strand). Cytogenetic location: 5q22.2.
Variant type: single nucleotide variant.
Coding change: c.1067T>C on transcript NM_000038.6 (MANE Select); coding-DNA position 1067, T replaced by C.
Protein change: p.Leu356Pro; replaces leucine 356 with proline.
Molecular consequence: missense variant. On other transcripts: intron variant (4).
Genome position (GRCh38, 1-based): chr5:112,819,099, T>C. VCF-style: chr5-112819099-T-C. GRCh37 (hg19) VCF-style: chr5-112154796-T-C.
Other names: c.1067T>C, p.Leu356Pro (NM_001127510.3, NM_001354895.2, NM_001354896.2); c.1013T>C, p.Leu338Pro (NM_001127511.3); c.1097T>C, p.Leu366Pro (NM_001354897.2); c.992T>C, p.Leu331Pro (NM_001354898.2); c.983T>C, p.Leu328Pro (NM_001354899.2); c.890T>C, p.Leu297Pro (NM_001354900.2, NM_001354901.2); c.218T>C, p.Leu73Pro (NM_001354906.2); c.964-170T>C (NM_001354902.2); and 3 more; short protein forms L297P, L73P, L328P, L338P, L331P, L356P, L366P.
Identifiers: ClinVar variation 924748 (VCV000924748.15), dbSNP rs1762825496, ClinGen allele CA16023647.